The following is an entry in ClinVar:

ClinVar aggregate classification (germline): Uncertain significance (1 of 4 stars; one submission).

Submission:

GeneDx
Classification: Uncertain significance. Last evaluated: 2019-09-20. Review status: criteria provided, single submitter. Criteria: GeneDx Variant Classification Process June 2021. Collection method: clinical testing. Allele origin: germline. Affected: yes.
Comment: Not observed in large population cohorts (Lek et al., 2016); Has not been previously published as pathogenic or benign to our knowledge; In silico analysis, which includes splice predictors and evolutionary conservation, suggests this variant may impact gene splicing. In the absence of RNA/functional studies, the actual effect of this sequence change is unknown.

NM_004380.3(CREBBP):c.2454C>T (p.Gly818=)

Gene: CREBBP (CREB binding protein; minus strand). Cytogenetic location: 16p13.3.
Variant type: single nucleotide variant.
Coding change: c.2454C>T on transcript NM_004380.3 (MANE Select); coding-DNA position 2454, C replaced by T.
Protein change: p.Gly818=; no amino-acid change (glycine 818 retained).
Molecular consequence: synonymous variant.
Genome position (GRCh38, 1-based): chr16:3,773,760, G>A on the plus strand (C>T on the coding strand, the complement: CREBBP is on the minus strand). VCF-style: chr16-3773760-G-A. GRCh37 (hg19) VCF-style: chr16-3823761-G-A.
Other names: c.2340C>T, p.Gly780= (NM_001079846.1).
Identifiers: ClinVar variation 1312277 (VCV001312277.2), dbSNP rs775185044, ClinGen allele CA493274406.